The following is an entry in ClinVar:

ClinVar aggregate classification (germline): Uncertain significance. Review status: criteria provided, multiple submitters, no conflicts (2 of 4 stars). 2 submissions from 2 submitters: Uncertain significance (2). Last evaluated 2024-07-01.

Submissions (2):

CeGaT Center for Human Genetics Tuebingen
Classification: Uncertain significance. Last evaluated: 2024-07-01. Review status: criteria provided, single submitter. Criteria: CeGaT Center For Human Genetics Tuebingen Variant Classification Criteria Version 2. Collection method: clinical testing. Allele origin: germline. Affected: yes. Observed: 1 variant allele.
Comment: FBN1: PM2, PS4:Moderate, PP3

GeneDx
Classification: Uncertain significance. Last evaluated: 2019-06-24. Review status: criteria provided, single submitter. Criteria: GeneDx Variant Classification Process June 2021. Collection method: clinical testing. Allele origin: germline. Affected: yes.
Comment: Reported in a patient with features of Marfan syndrome who also harbored a missense variant on the opposite allele of the FBN1 gene (in trans); Not observed in large population cohorts (Lek et al., 2016); In silico analysis, which includes splice predictors and evolutionary conservation, supports a deleterious effect; In the absence of functional mRNA studies, the physiological consequence of this variant cannot be precisely determined; This variant is associated with the following publications: (PMID: 16222657, 25525159)

NM_000138.5(FBN1):c.2728+3A>G

Gene: FBN1 (fibrillin 1; minus strand). Cytogenetic location: 15q21.1.
Variant type: single nucleotide variant.
Coding change: c.2728+3A>G on transcript NM_000138.5 (MANE Select); 3 bases into the intron after coding-DNA position 2728, A replaced by G.
Molecular consequence: intron variant.
Genome position (GRCh38, 1-based): chr15:48,494,201, T>C on the plus strand (A>G on the coding strand, the complement: FBN1 is on the minus strand). VCF-style: chr15-48494201-T-C. GRCh37 (hg19) VCF-style: chr15-48786398-T-C.
Identifiers: ClinVar variation 1303101 (VCV001303101.19), dbSNP rs2141302328, ClinGen allele CA2573054037.
Genomic context (GRCh38, chr15:48,494,201, plus strand): 5'-CGAGTTAACACAAACATTCATTATGCACACAAAAATGTATGGTTTATAAGTAATCAGAAA[T>C]ACCTTCACATTGTGTTCCTTTAATTCTTGAGTACCCTTTACCACATATGGGATCTGTAAT-3'